The following is an entry in ClinVar:

ClinVar aggregate classification (germline): Uncertain significance (1 of 4 stars; one submission).

Conditions:
Tuberous sclerosis 1 (TSC1). Identifiers: Orphanet 805, MedGen C1854465, MONDO:0008612, OMIM 191100.

Submission:

Labcorp Genetics (formerly Invitae), Labcorp
Classification: Uncertain significance for Tuberous sclerosis 1. Last evaluated: 2023-07-10. Review status: criteria provided, single submitter. Criteria: Invitae Variant Classification Sherloc (09022015). Collection method: clinical testing. Allele origin: germline.
Comment: In summary, the available evidence is currently insufficient to determine the role of this variant in disease. Therefore, it has been classified as a Variant of Uncertain Significance. Advanced modeling of protein sequence and biophysical properties (such as structural, functional, and spatial information, amino acid conservation, physicochemical variation, residue mobility, and thermodynamic stability) performed at Invitae indicates that this missense variant is not expected to disrupt TSC1 protein function. This variant has not been reported in the literature in individuals affected with TSC1-related conditions. This variant is not present in population databases (gnomAD no frequency). This sequence change replaces tyrosine, which is neutral and polar, with histidine, which is basic and polar, at codon 508 of the TSC1 protein (p.Tyr508His).

NM_000368.5(TSC1):c.1522T>C (p.Tyr508His)

Gene: TSC1 (TSC complex subunit 1; minus strand). Cytogenetic location: 9q34.13.
Variant type: single nucleotide variant.
Coding change: c.1522T>C on transcript NM_000368.5 (MANE Select); coding-DNA position 1522, T replaced by C.
Protein change: p.Tyr508His; replaces tyrosine 508 with histidine.
Molecular consequence: missense variant. On other transcripts: non-coding transcript variant (5).
Genome position (GRCh38, 1-based): chr9:132,906,056, A>G on the plus strand (T>C on the coding strand, the complement: TSC1 is on the minus strand). VCF-style: chr9-132906056-A-G. GRCh37 (hg19) VCF-style: chr9-135781443-A-G.
Other names: c.1522T>C, p.Tyr508His (NM_001406607.1, NM_001406592.1, NM_001406593.1 and 7 more transcripts); c.1519T>C, p.Tyr507His (NM_001406608.1, NM_001406609.1, NM_001162426.2 and 6 more transcripts); c.1369T>C, p.Tyr457His (NM_001406610.1, NM_001162427.2); c.1366T>C, p.Tyr456His (NM_001406611.1, NM_001406612.1, NM_001406613.1); c.1159T>C, p.Tyr387His (NM_001406614.1, NM_001406615.1, NM_001362177.2 and 5 more transcripts); c.571T>C, p.Tyr191His (NM_001406626.1); c.568T>C, p.Tyr190His (NM_001406627.1, NM_001406628.1); c.469T>C, p.Tyr157His (NM_001406629.1, NM_001406630.1); and 1 more; short protein forms Y191H, Y457H, Y507H, Y157H, Y386H, Y190H, Y387H, Y456H.
Identifiers: ClinVar variation 2740503 (VCV002740503.3), dbSNP rs2538743011, ClinGen allele CA375365265.